The following is an entry in ClinVar:

ClinVar aggregate classification (germline): Likely benign (0 of 4 stars; one submission).

Conditions:
TBL1X-related disorder. Also called: TBL1X-related condition.

gnomAD v4.1: 90 of 1,196,677 alleles (0.0075%); highest among the groups gnomAD compares: Non-Finnish European, 0.01%; no homozygotes.

Submission:

PreventionGenetics, part of Exact Sciences
Classification: Likely benign for TBL1X-related condition. Last evaluated: 2019-05-31. Review status: no assertion criteria provided. Collection method: clinical testing. Allele origin: germline.
Comment: This variant is classified as likely benign based on ACMG/AMP sequence variant interpretation guidelines (Richards et al. 2015 PMID: 25741868, with internal and published modifications).

NM_005647.4(TBL1X):c.528C>A (p.Thr176=)

Gene: TBL1X (transducin beta like 1 X-linked; plus strand). Cytogenetic location: Xp22.2.
Variant type: single nucleotide variant.
Coding change: c.528C>A on transcript NM_005647.4 (MANE Select); coding-DNA position 528, C replaced by A.
Protein change: p.Thr176=; no amino-acid change (threonine 176 retained).
Molecular consequence: synonymous variant.
Genome position (GRCh38, 1-based): chrX:9,688,187, C>A. VCF-style: chrX-9688187-C-A. GRCh37 (hg19) VCF-style: chrX-9656227-C-A.
Other names: c.528C>A, p.Thr176= (NM_001139466.1); c.375C>A, p.Thr125= (NM_001139467.1, NM_001139468.1).
Identifiers: ClinVar variation 3350450 (VCV003350450.1).